The following is an entry in ClinVar:

NM_178857.6(RP1L1):c.4028A>T (p.Glu1343Val)

Gene: RP1L1 (RP1 like 1). Cytogenetic location: 8p23.1.
Variant type: single nucleotide variant.
Coding change: c.4028A>T on transcript NM_178857.6 (MANE Select); coding-DNA position 4028, A replaced by T.
Protein change: p.Glu1343Val; replaces glutamic acid 1343 with valine.
Molecular consequence: missense variant.
Genome position (GRCh38, 1-based): chr8:10,610,070, T>A on the plus strand (A>T on the coding strand, the complement: RP1L1 is on the minus strand). VCF-style: chr8-10610070-T-A. GRCh37 (hg19) VCF-style: chr8-10467580-T-A.
Other names: short protein forms E1343V.
Identifiers: ClinVar variation 911391 (VCV000911391.5), dbSNP rs760625445, ClinGen allele CA4624193.

ClinVar aggregate classification (germline): Benign/Likely benign. Review status: criteria provided, multiple submitters, no conflicts (2 of 4 stars). 2 submissions from 2 submitters: Benign (1); Likely benign (1). Last evaluated 2024-08-22.

Conditions:
Occult macular dystrophy (OCMD). Also called: OCCULT MACULAR DYSTROPHY, SUSCEPTIBILITY TO; OMD. Identifiers: Orphanet 247834, MedGen C3150833, MONDO:0013316, OMIM 613587, HP:0030636.

Allele frequency attached by ClinVar (database versions not stated): gnomAD exomes 0.00010 and 0.00040; ExAC 0.00032; gnomAD 0.00460 and 0.00494.
gnomAD v4.1: 194 of 884,562 alleles (0.022%); highest among the groups gnomAD compares: African/African-American, 0.54%; no homozygotes.

Submissions (2):

Blueprint Genetics
Classification: Likely benign. Last evaluated: 2024-08-22. Review status: criteria provided, single submitter. Criteria: ACMG Guidelines, 2015. Collection method: clinical testing. Allele origin: germline.

Illumina Laboratory Services, Illumina
Classification: Benign for Occult macular dystrophy. Last evaluated: 2018-01-13. Review status: criteria provided, single submitter. Criteria: ICSL Variant Classification Criteria 13 December 2019. Collection method: clinical testing. Allele origin: germline.
Comment: This variant was observed in the ICSL laboratory as part of a predisposition screen in an ostensibly healthy population. It had not been previously curated by ICSL or reported in the Human Gene Mutation Database (HGMD: prior to June 1st, 2018), and was therefore a candidate for classification through an automated scoring system. Utilizing variant allele frequency, disease prevalence and penetrance estimates, and inheritance mode, an automated score was calculated to assess if this variant is too frequent to cause the disease. Based on the score and internal cut-off values, a variant classified as benign is not then subjected to further curation. The score for this variant resulted in a classification of benign for this disease.